The following is an entry in ClinVar:

NM_006204.4(PDE6C):c.2466G>A (p.Lys822=)

Gene: PDE6C (phosphodiesterase 6C; plus strand). Cytogenetic location: 10q23.33.
Variant type: single nucleotide variant.
Coding change: c.2466G>A on transcript NM_006204.4 (MANE Select); coding-DNA position 2466, G replaced by A.
Protein change: p.Lys822=; no amino-acid change (lysine 822 retained).
Molecular consequence: synonymous variant.
Genome position (GRCh38, 1-based): chr10:93,663,126, G>A. VCF-style: chr10-93663126-G-A. GRCh37 (hg19) VCF-style: chr10-95422883-G-A.
Identifiers: ClinVar variation 522318 (VCV000522318.19), dbSNP rs79487435, ClinGen allele CA5610501.
Genomic context (GRCh38, chr10:93,663,126, plus strand): 5'-GAGTGGTCTTCAGAATAACAGAGTAGAATGGAAATCACTAGCTGATGAGTATGATGCAAA[G>A]ATGAAGGTCATTGAAGAGGAGGCAAAAAAGCAAGAAGGAGGAGCCGAAAAAGGTTAGATG-3'
Protein context (NP_006195.3, residues 812-832): WKSLADEYDA[Lys822=]MKVIEEEAKK

ClinVar aggregate classification (germline): Benign/Likely benign. Review status: criteria provided, multiple submitters, no conflicts (2 of 4 stars). 6 submissions from 5 submitters: Benign (2); Likely benign (3). 1 of the submissions does not count toward it. Last evaluated 2026-01-12.

Conditions:
Cone dystrophy 4 (COD4). Identifiers: Orphanet 49382, MedGen C2751308, MONDO:0013129, OMIM 613093.
Achromatopsia. Also called: Rod monochromatism. Identifiers: Orphanet 49382, MedGen C0152200, MONDO:0018852, HP:0011516.

Allele frequency attached by ClinVar (database versions not stated): TOPMed 0.00122; 1000 Genomes Project 30x 0.00219; 1000 Genomes Project 0.00220.
gnomAD v4.1: 676 of 1,613,770 alleles (0.042%); highest among the groups gnomAD compares: East Asian, 1.3%; 6 homozygotes.

Submissions (6):

Labcorp Genetics (formerly Invitae), Labcorp
Classification: Benign. Last evaluated: 2026-01-12. Review status: criteria provided, single submitter. Criteria: Invitae Variant Classification Sherloc (09022015). Collection method: clinical testing. Allele origin: germline.

Blueprint Genetics
Classification: Likely benign. Last evaluated: 2024-11-21. Review status: criteria provided, single submitter. Criteria: ACMG Guidelines, 2015. Collection method: clinical testing. Allele origin: germline.

Illumina Laboratory Services, Illumina
Classification: Likely benign for Cone dystrophy 4. Last evaluated: 2018-01-13. Review status: criteria provided, single submitter. Criteria: ICSL Variant Classification Criteria 13 December 2019. Collection method: clinical testing. Allele origin: germline.
Comment: This variant was observed in the ICSL laboratory as part of a predisposition screen in an ostensibly healthy population. It had not been previously curated by ICSL or reported in the Human Gene Mutation Database (HGMD: prior to June 1st, 2018), and was therefore a candidate for classification through an automated scoring system. Utilizing variant allele frequency, disease prevalence and penetrance estimates, and inheritance mode, an automated score was calculated to assess if this variant is too frequent to cause the disease. Based on the score and internal cut-off values, a variant classified as likely benign is not then subjected to further curation. The score for this variant resulted in a classification of likely benign for this disease.

Illumina Laboratory Services, Illumina
Classification: Likely benign for Achromatopsia. Last evaluated: 2018-01-13. Review status: criteria provided, single submitter. Criteria: ICSL Variant Classification Criteria 13 December 2019. Collection method: clinical testing. Allele origin: germline.
Comment: the same text as in the submission from Illumina Laboratory Services, Illumina above.

Clinical Genetics DNA and cytogenetics Diagnostics Lab, Erasmus MC, Erasmus Medical Center
Classification: Benign for Cone dystrophy 4. Last evaluated: 2017-06-28. Review status: criteria provided, single submitter. Criteria: ACGS Guidelines, 2013. Collection method: clinical testing. Allele origin: germline. Affected: yes. Study: VKGL Data-share Consensus.

Clinical Genetics, Academic Medical Center
Classification: Benign. Review status: no assertion criteria provided. Collection method: clinical testing. Allele origin: germline. Affected: yes. Study: VKGL Data-share Consensus. Not counted in ClinVar's aggregate classification.